The following is an entry in ClinVar:

NM_001164508.2(NEB):c.244A>G (p.Met82Val)

Gene: NEB (nebulin; minus strand). Cytogenetic location: 2q23.3.
Variant type: single nucleotide variant.
Coding change: c.244A>G on transcript NM_001164508.2 (MANE Select); coding-DNA position 244, A replaced by G.
Protein change: p.Met82Val; replaces methionine 82 with valine.
Molecular consequence: missense variant.
Genome position (GRCh38, 1-based): chr2:151,727,741, T>C on the plus strand (A>G on the coding strand, the complement: NEB is on the minus strand). VCF-style: chr2-151727741-T-C. GRCh37 (hg19) VCF-style: chr2-152584255-T-C.
Other names: c.244A>G, p.Met82Val (NM_001164507.2, NM_001271208.2, NM_004543.5); short protein forms M82V.
Identifiers: ClinVar variation 129736 (VCV000129736.8), dbSNP rs587780398, ClinGen allele CA231317.

ClinVar aggregate classification (germline): Uncertain significance. Review status: criteria provided, multiple submitters, no conflicts (2 of 4 stars). 3 submissions from 3 submitters: Uncertain significance (2). 1 of the submissions does not count toward it. Last evaluated 2024-05-07.

Conditions:
Nemaline myopathy 2 (NEM2). Also called: Nemaline myopathy 2, autosomal recessive. Identifiers: MedGen C1850569, MONDO:0009725, OMIM 256030.

Allele frequency attached by ClinVar (database versions not stated): gnomAD exomes below 0.00001; ExAC 0.00001.
gnomAD v4.1: 8 of 1,613,682 alleles (0.0005%); highest among the groups gnomAD compares: Non-Finnish European, 0.00068%; no homozygotes.

Submissions (3):

GeneDx
Classification: Uncertain significance. Last evaluated: 2024-05-07. Review status: criteria provided, single submitter. Criteria: GeneDx Variant Classification Process June 2021. Collection method: clinical testing. Allele origin: germline. Affected: yes.
Comment: Not observed at significant frequency in large population cohorts (gnomAD); In silico analysis indicates that this missense variant does not alter protein structure/function; Has not been previously published as pathogenic or benign to our knowledge

Genetic Services Laboratory, University of Chicago
Classification: Uncertain significance. Last evaluated: 2013-11-14. Review status: criteria provided, single submitter. Criteria: ACMG Guidelines, 2007. Collection method: clinical testing. Allele origin: germline. Inheritance: Autosomal recessive inheritance.

Counsyl
Classification: Uncertain significance for Nemaline myopathy 2. Last evaluated: 2017-02-16. Review status: no assertion criteria provided. Collection method: clinical testing. Allele origin: unknown. Not counted in ClinVar's aggregate classification.